The following is an entry in ClinVar:

ClinVar aggregate classification (germline): Uncertain significance. Review status: criteria provided, multiple submitters, no conflicts (2 of 4 stars). 3 submissions from 3 submitters: Uncertain significance (3). Last evaluated 2025-04-01.

Conditions:
PTPN11-related disorder. Also called: PTPN11-Related Disorders.
LEOPARD syndrome 1 (LPRD1). Also called: LENTIGINOSIS, CARDIOMYOPATHIC; MULTIPLE LENTIGINES SYNDROME; PTPN11-Related LEOPARD Syndrome. Identifiers: Orphanet 500, MedGen C4551484, MONDO:0100082, OMIM 151100.
Metachondromatosis (METCDS). Identifiers: Orphanet 2499, MedGen C0410530, MONDO:0007979, OMIM 156250.
Juvenile myelomonocytic leukemia (JMML). Also called: LEUKEMIA, JUVENILE MYELOMONOCYTIC, SOMATIC. Identifiers: Orphanet 86834, MedGen C0349639, MONDO:0011908, OMIM 607785, HP:0012209.
Noonan syndrome 1 (NS1). Also called: FEMALE PSEUDO-TURNER SYNDROME; TURNER PHENOTYPE WITH NORMAL KARYOTYPE; PTPN11-Related Noonan Syndrome. Identifiers: Orphanet 648, MedGen C4551602, MONDO:0008104, OMIM 163950. Disease mechanism: gain of function.
RASopathy. Also called: rasopathies; Noonan spectrum disorder. Identifiers: Orphanet 536391, MedGen C5555857, MONDO:0021060.

gnomAD v4.1: 1 of 1,613,610 alleles (0.000062%); no homozygotes.

Submissions (3):

Labcorp Genetics (formerly Invitae), Labcorp
Classification: Uncertain significance for RASopathy. Last evaluated: 2025-04-01. Review status: criteria provided, single submitter. Criteria: Invitae Variant Classification Sherloc (09022015). Collection method: clinical testing. Allele origin: germline.
Comment: This sequence change replaces proline, which is neutral and non-polar, with leucine, which is neutral and non-polar, at codon 562 of the PTPN11 protein (p.Pro562Leu). This variant is not present in population databases (gnomAD no frequency). This variant has not been reported in the literature in individuals affected with PTPN11-related conditions. ClinVar contains an entry for this variant (Variation ID: 1428855). Invitae Evidence Modeling of protein sequence and biophysical properties (such as structural, functional, and spatial information, amino acid conservation, physicochemical variation, residue mobility, and thermodynamic stability) indicates that this missense variant is not expected to disrupt PTPN11 protein function with a negative predictive value of 80%. In summary, the available evidence is currently insufficient to determine the role of this variant in disease. Therefore, it has been classified as a Variant of Uncertain Significance.

PreventionGenetics, part of Exact Sciences
Classification: Uncertain significance for PTPN11-related condition. Last evaluated: 2024-12-03. Review status: criteria provided, single submitter. Criteria: ACMG Guidelines, 2015. Collection method: clinical testing. Allele origin: germline.
Comment: The PTPN11 c.1685C>T variant is predicted to result in the amino acid substitution p.Pro562Leu. To our knowledge, this variant has not been reported in the literature or in a large population database (gnomAD), indicating this variant is rare. At this time, the clinical significance of this variant is uncertain due to the absence of conclusive functional and genetic evidence.

Fulgent Genetics
Classification: Uncertain significance for LEOPARD syndrome 1; Metachondromatosis; Noonan syndrome 1; Juvenile myelomonocytic leukemia. Last evaluated: 2021-10-05. Review status: criteria provided, single submitter. Criteria: ACMG Guidelines, 2015. Collection method: clinical testing. Allele origin: unknown.

NM_002834.5(PTPN11):c.1685C>T (p.Pro562Leu)

Gene: PTPN11 (protein tyrosine phosphatase non-receptor type 11; plus strand). Cytogenetic location: 12q24.13.
Variant type: single nucleotide variant.
Coding change: c.1685C>T on transcript NM_002834.5 (MANE Select); coding-DNA position 1685, C replaced by T.
Protein change: p.Pro562Leu; replaces proline 562 with leucine.
Molecular consequence: missense variant.
Genome position (GRCh38, 1-based): chr12:112,502,229, C>T. VCF-style: chr12-112502229-C-T. GRCh37 (hg19) VCF-style: chr12-112940033-C-T.
Other names: c.1697C>T, p.Pro566Leu (NM_001330437.2); c.1682C>T, p.Pro561Leu (NM_001374625.1); c.1685C>T (NM_002834.4); short protein forms P561L, P566L, P562L.
Identifiers: ClinVar variation 1428855 (VCV001428855.8), dbSNP rs2038884191, ClinGen allele CA386783533.